The following is an entry in ClinVar:

ClinVar aggregate classification (germline): Uncertain significance (1 of 4 stars; one submission).

Submission:

Women's Health and Genetics/Laboratory Corporation of America, LabCorp
Classification: Uncertain significance. Last evaluated: 2025-09-05. Review status: criteria provided, single submitter. Criteria: LabCorp Variant Classification Summary - May 2015. Collection method: clinical testing. Allele origin: germline.
Comment: Variant summary: DDX11 c.1126G>A (p.Ala376Thr) results in a non-conservative amino acid change in the encoded protein sequence. Algorithms developed to predict the effect of missense changes on protein structure and function are either unavailable or do not agree on the potential impact of this missense change. The frequency data for this variant in gnomAD is considered unreliable, as metrics indicate poor data quality at this position. To our knowledge, no occurrence of c.1126G>A in individuals affected with DDX11-related conditions and no experimental evidence demonstrating its impact on protein function have been reported. No submitters have cited clinical-significance assessments for this variant to ClinVar. Based on the evidence outlined above, the variant was classified as uncertain significance.

NM_030653.4(DDX11):c.1126G>A (p.Ala376Thr)

Gene: DDX11 (DEAD/H-box helicase 11; plus strand). Cytogenetic location: 12p11.21.
Variant type: single nucleotide variant.
Coding change: c.1126G>A on transcript NM_030653.4 (MANE Select); coding-DNA position 1126, G replaced by A.
Protein change: p.Ala376Thr; replaces alanine 376 with threonine.
Molecular consequence: missense variant. On other transcripts: non-coding transcript variant (4).
Genome position (GRCh38, 1-based): chr12:31,091,755, G>A. VCF-style: chr12-31091755-G-A. GRCh37 (hg19) VCF-style: chr12-31244689-G-A.
Other names: c.1039G>A, p.Ala347Thr (NM_001413700.1); c.598G>A, p.Ala200Thr (NM_001413702.1, NM_001413703.1); c.265G>A, p.Ala89Thr (NM_001413704.1, NM_001413705.1); c.160G>A, p.Ala54Thr (NM_001413706.1); c.1126G>A, p.Ala376Thr (NM_004399.3, NM_152438.2, NM_001257144.2 and 5 more transcripts); c.1048G>A, p.Ala350Thr (NM_001257145.2, NM_001413697.1, NM_001413698.1 and 1 more transcripts); short protein forms A200T, A347T, A350T, A376T, A54T, A89T.
Identifiers: ClinVar variation 4535741 (VCV004535741.1).